The following is an entry in ClinVar:

ClinVar aggregate classification (germline): Uncertain significance (1 of 4 stars; one submission).

Submission:

Center for Pediatric Genomic Medicine, Children's Mercy Hospital and Clinics
Classification: Uncertain significance. Last evaluated: 2017-01-16. Review status: criteria provided, single submitter. Criteria: ACMG Guidelines, 2015. Collection method: clinical testing. Allele origin: germline.
ClinVar note: Converted during submission from Uncertain Significance to Uncertain significance.

NC_012920.1(MT-RNR2):m.3169C>T

Gene: MT-RNR2 (mitochondrially encoded 16S RNA; plus strand).
Variant type: single nucleotide variant.
Genome position: chrM-3169-C-T.
Identifiers: ClinVar variation 377249 (VCV000377249.3), dbSNP rs1057520173, ClinGen allele CA16603316.